The following is an entry in ClinVar:

NM_000238.4(KCNH2):c.1129-6G>T

Gene: KCNH2 (potassium voltage-gated channel subfamily H member 2; minus strand). Cytogenetic location: 7q36.1.
Variant type: single nucleotide variant.
Coding change: c.1129-6G>T on transcript NM_000238.4 (MANE Select); 6 bases into the intron before coding-DNA position 1129, G replaced by T.
Molecular consequence: intron variant.
Genome position (GRCh38, 1-based): chr7:150,952,859, C>A on the plus strand (G>T on the coding strand, the complement: KCNH2 is on the minus strand). VCF-style: chr7-150952859-C-A. GRCh37 (hg19) VCF-style: chr7-150649947-C-A.
Other names: c.841-6G>T (NM_001406753.1, NM_001406756.1); c.109-6G>T (NM_172057.3, NM_001204798.2); c.1129-6G>T (NM_172056.3); c.952-6G>T (NM_001406755.1); c.829-6G>T (NM_001406757.1).
Identifiers: ClinVar variation 413333 (VCV000413333.20), dbSNP rs555400904, ClinGen allele CA027213.

ClinVar aggregate classification (germline): Likely benign. Review status: criteria provided, multiple submitters, no conflicts (2 of 4 stars). 4 submissions from 4 submitters: Likely benign (4). Last evaluated 2026-05-01.

Conditions:
Cardiac arrhythmia. Also called: Cardiac rhythm disease; Arrhythmia. Identifiers: MedGen C0003811, MONDO:0007263, HP:0011675.
Long QT syndrome (LQTS). Identifiers: MedGen C0023976, MeSH D008133, MONDO:0002442. Disease mechanism: loss of function. Inheritance: Various modes of inheritance.

Allele frequency attached by ClinVar (database versions not stated): ExAC 0.00003; gnomAD exomes 0.00003 and 0.00010; gnomAD 0.00009 and 0.00011; 1000 Genomes Project 30x 0.00016; 1000 Genomes Project 0.00020; TOPMed 0.00020.
gnomAD v4.1: 58 of 1,612,484 alleles (0.0036%); highest among the groups gnomAD compares: Admixed American, 0.092%; 1 homozygote.

Submissions (4):

CeGaT Center for Human Genetics Tuebingen
Classification: Likely benign. Last evaluated: 2026-05-01. Review status: criteria provided, single submitter. Criteria: CeGaT Center For Human Genetics Tuebingen Variant Classification Criteria Version 2. Collection method: clinical testing. Allele origin: germline. Affected: yes. Observed: 1 variant allele.
Comment: KCNH2: BP4

Labcorp Genetics (formerly Invitae), Labcorp
Classification: Likely benign for Long QT syndrome. Last evaluated: 2025-12-22. Review status: criteria provided, single submitter. Criteria: Invitae Variant Classification Sherloc (09022015). Collection method: clinical testing. Allele origin: germline.

All of Us Research Program, National Institutes of Health
Classification: Likely benign for Long QT syndrome. Last evaluated: 2024-01-11. Review status: criteria provided, single submitter. Criteria: ACMG Guidelines, 2015. Collection method: clinical testing. Allele origin: germline. Inheritance: Autosomal dominant inheritance. Observed: 11 variant alleles, 10 heterozygotes, 1 homozygote.
Comment: This study involves interpretation of variants in research participants for the purpose of population health screening. Participant phenotype was not available at the time of variant classification. Additional details can be found in publication PMID: 35346344, PMCID: PMC8962531

Color Diagnostics, LLC DBA Color Health
Classification: Likely benign for Cardiac arrhythmia. Last evaluated: 2023-03-10. Review status: criteria provided, single submitter. Criteria: ACMG Guidelines, 2015. Collection method: clinical testing. Allele origin: germline.